The following is an entry in ClinVar:

NM_000557.5(GDF5):c.467G>A (p.Arg156Gln)

Gene: GDF5 (growth differentiation factor 5; minus strand). Cytogenetic location: 20q11.22.
Variant type: single nucleotide variant.
Coding change: c.467G>A on transcript NM_000557.5 (MANE Select); coding-DNA position 467, G replaced by A.
Protein change: p.Arg156Gln; replaces arginine 156 with glutamine.
Molecular consequence: missense variant.
Genome position (GRCh38, 1-based): chr20:35,437,462, C>T on the plus strand (G>A on the coding strand, the complement: GDF5 is on the minus strand). VCF-style: chr20-35437462-C-T. GRCh37 (hg19) VCF-style: chr20-34025242-C-T.
Other names: c.467G>A, p.Arg156Gln (NM_001319138.2); short protein forms R156Q.
Identifiers: ClinVar variation 3771474 (VCV003771474.13).

ClinVar aggregate classification (germline): Uncertain significance (1 of 4 stars; one submission).

gnomAD v4.1: 44 of 1,613,960 alleles (0.0027%); highest among the groups gnomAD compares: Admixed American, 0.0033%; no homozygotes.

Submission:

CeGaT Center for Human Genetics Tuebingen
Classification: Uncertain significance. Last evaluated: 2025-01-01. Review status: criteria provided, single submitter. Criteria: CeGaT Center For Human Genetics Tuebingen Variant Classification Criteria Version 2. Collection method: clinical testing. Allele origin: germline. Affected: yes. Observed: 1 variant allele.
Comment: GDF5: PM2, BP4